The following is an entry in ClinVar:

NM_000395.3(CSF2RB):c.365G>A (p.Arg122Gln)

Genes: CSF2RB (colony stimulating factor 2 receptor subunit beta; plus strand), LOC126863140 (BRD4-independent group 4 enhancer GRCh37_chr22:37321546-37322745; plus strand). Cytogenetic location: 22q12.3.
Variant type: single nucleotide variant.
Coding change: c.365G>A on transcript NM_000395.3 (MANE Select); coding-DNA position 365, G replaced by A.
Protein change: p.Arg122Gln; replaces arginine 122 with glutamine.
Molecular consequence: missense variant.
Genome position (GRCh38, 1-based): chr22:36,926,151, G>A. VCF-style: chr22-36926151-G-A. GRCh37 (hg19) VCF-style: chr22-37322193-G-A.
Other names: c.365G>A, p.Arg122Gln (NM_001410827.1); c.365G>A (NM_000395.2); short protein forms R122Q.
Identifiers: ClinVar variation 1906944 (VCV001906944.6), dbSNP rs375819512, ClinGen allele CA10213442.

ClinVar aggregate classification (germline): Conflicting classifications of pathogenicity. Review status: criteria provided, conflicting classifications (1 of 4 stars). 2 submissions from 2 submitters: Uncertain significance (1); Likely benign (1). Last evaluated 2025-08-27.

Conditions:
Inborn genetic diseases. Identifiers: MedGen C0950123, MeSH D030342.

Allele frequency attached by ClinVar (database versions not stated): gnomAD 0.00001; ExAC 0.00002; ESP Exome Variant Server 0.00008.
gnomAD v4.1: 20 of 1,614,012 alleles (0.0012%); highest among the groups gnomAD compares: Non-Finnish European, 0.0014%; no homozygotes.

Submissions (2):

Ambry Genetics
Classification: Likely benign for Inborn genetic diseases. Last evaluated: 2025-08-27. Review status: criteria provided, single submitter. Criteria: Ambry Variant Classification Scheme 2023. Collection method: clinical testing. Allele origin: germline.

Labcorp Genetics (formerly Invitae), Labcorp
Classification: Uncertain significance. Last evaluated: 2025-08-01. Review status: criteria provided, single submitter. Criteria: Invitae Variant Classification Sherloc (09022015). Collection method: clinical testing. Allele origin: germline.
Comment: This sequence change replaces arginine, which is basic and polar, with glutamine, which is neutral and polar, at codon 122 of the CSF2RB protein (p.Arg122Gln). This variant is present in population databases (rs375819512, gnomAD 0.006%). This variant has not been reported in the literature in individuals affected with CSF2RB-related conditions. ClinVar contains an entry for this variant (Variation ID: 1906944). Invitae Evidence Modeling of protein sequence and biophysical properties (such as structural, functional, and spatial information, amino acid conservation, physicochemical variation, residue mobility, and thermodynamic stability) indicates that this missense variant is not expected to disrupt CSF2RB protein function with a negative predictive value of 80%. In summary, the available evidence is currently insufficient to determine the role of this variant in disease. Therefore, it has been classified as a Variant of Uncertain Significance.